The following is an entry in ClinVar:

ClinVar aggregate classification (germline): Pathogenic/Likely pathogenic. Review status: criteria provided, multiple submitters, no conflicts (2 of 4 stars). 5 submissions from 5 submitters: Pathogenic (2); Likely pathogenic (1). 2 of the submissions do not count toward it. Last evaluated 2025-09-10.

Conditions:
Orofaciodigital syndrome V. Also called: THURSTON SYNDROME; OFDS V; ORAL-FACIAL-DIGITAL SYNDROME, TYPE V; OROFACIODIGITAL SYNDROME, THURSTON TYPE. Identifiers: Orphanet 2919, MedGen C1868118, MONDO:0008267, OMIM 174300.

Submissions (5):

Genomic Medicine Center of Excellence, King Faisal Specialist Hospital and Research Centre
Classification: Pathogenic for Orofaciodigital syndrome V. Last evaluated: 2025-09-10. Review status: criteria provided, single submitter. Criteria: ACMG Guidelines, 2015. Collection method: clinical testing. Allele origin: germline.

Revvity Omics, Revvity
Classification: Likely pathogenic for Orofaciodigital syndrome V. Last evaluated: 2019-10-28. Review status: criteria provided, single submitter. Criteria: ACMG Guidelines, 2015. Collection method: clinical testing. Allele origin: germline.

GeneDx
Classification: Pathogenic. Last evaluated: 2015-03-16. Review status: criteria provided, single submitter. Criteria: GeneDx Variant Classification (06012015). Collection method: clinical testing. Allele origin: germline. Affected: yes.
Comment: The V367G variant in the DDX59 gene has been reported previously in association with orofaciodigitalsyndrome V (Shamseldin et al., 2013). The V367G substitution was observed in the homozygous state inmultiple affected members of a consanguineous multiplex Arab family with orofaciodigital syndrome. Thisvariant was absent from 300 ethnically matched exome cases evaluated by the authors and was alsoabsent in 200 ethnically matched control individuals by direct DDX59 sequencing (Shamseldin et al., 2013).In addition, the V367G variant was not observed in approximately 6,500 individuals of European andAfrican American ancestry in the NHLBI Exome Sequencing Project, indicating it is not a common benignvariant in these populations. The V367G variant is a conservative amino acid substitution, which occursat a position that is conserved across species. Functional studies show that V367G results in decreasedexpression of the DDX59 protein as well as impaired SHH signaling in SAG-treated fibroblasts (Shamseldin et al., 2013). We interpret V367G as a pathogenic variant.

Biochemical Molecular Genetic Laboratory, King Abdulaziz Medical City
Classification: Pathogenic for Orofaciodigital syndrome V. Last evaluated: 2020-10-11. Review status: no assertion criteria provided. Collection method: clinical testing. Allele origin: germline. Affected: yes. Not counted in ClinVar's aggregate classification.

OMIM
Classification: Pathogenic for OROFACIODIGITAL SYNDROME V. Last evaluated: 2013-09-05. Review status: no assertion criteria provided. Collection method: literature only. Allele origin: germline. Not counted in ClinVar's aggregate classification.

Literature cited by the submitters: PubMed 23972372 (cited by OMIM).

NM_001031725.6(DDX59):c.1100T>G (p.Val367Gly)

Gene: DDX59 (DEAD-box helicase 59; minus strand). Cytogenetic location: 1q32.1.
Variant type: single nucleotide variant.
Coding change: c.1100T>G on transcript NM_001031725.6 (MANE Select); coding-DNA position 1100, T replaced by G.
Protein change: p.Val367Gly; replaces valine 367 with glycine.
Molecular consequence: missense variant. On other transcripts: intron variant (3).
Genome position (GRCh38, 1-based): chr1:200,650,639, A>C on the plus strand (T>G on the coding strand, the complement: DDX59 is on the minus strand). VCF-style: chr1-200650639-A-C. GRCh37 (hg19) VCF-style: chr1-200619767-A-C.
Other names: c.1063-1413T>G (NM_001349803.3); c.973-1413T>G (NM_001320182.1); c.1100T>G, p.Val367Gly (NM_001320181.2, NM_001349799.3, NM_001349800.3 and 2 more transcripts); c.1063-6122T>G (NM_001349804.2, NM_001349804.1); short protein forms V367G.
Identifiers: ClinVar variation 88653 (VCV000088653.8), dbSNP rs587777067, ClinGen allele CA145273.